The following is an entry in ClinVar:

NM_015910.7(WDPCP):c.551T>C (p.Leu184Pro)

Gene: WDPCP (WD repeat containing planar cell polarity effector; minus strand). Cytogenetic location: 2p15.
Variant type: single nucleotide variant.
Coding change: c.551T>C on transcript NM_015910.7 (MANE Select); coding-DNA position 551, T replaced by C.
Protein change: p.Leu184Pro; replaces leucine 184 with proline.
Molecular consequence: missense variant. On other transcripts: non-coding transcript variant (3).
Genome position (GRCh38, 1-based): chr2:63,437,503, A>G on the plus strand (T>C on the coding strand, the complement: WDPCP is on the minus strand). VCF-style: chr2-63437503-A-G. GRCh37 (hg19) VCF-style: chr2-63664637-A-G.
Other names: c.74T>C, p.Leu25Pro (NM_001042692.3); c.479T>C, p.Leu160Pro (NM_001354044.2); c.551T>C, p.Leu184Pro (NM_001354045.2); short protein forms L184P, L25P, L160P.
Identifiers: ClinVar variation 958634 (VCV000958634.10), dbSNP rs1198983391, ClinGen allele CA347063715.

ClinVar aggregate classification (germline): Uncertain significance. Review status: criteria provided, multiple submitters, no conflicts (2 of 4 stars). 2 submissions from 2 submitters: Uncertain significance (2). Last evaluated 2024-12-05.

Conditions:
WDPCP-related disorder. Also called: WDPCP-related condition.
Bardet-Biedl syndrome (BBS). Identifiers: Orphanet 110, MedGen C0752166, MONDO:0015229.

Allele frequency attached by ClinVar (database versions not stated): TOPMed below 0.00001.

Submissions (2):

PreventionGenetics, part of Exact Sciences
Classification: Uncertain significance for WDPCP-related condition. Last evaluated: 2024-12-05. Review status: criteria provided, single submitter. Criteria: ACMG Guidelines, 2015. Collection method: clinical testing. Allele origin: germline.
Comment: The WDPCP c.551T>C variant is predicted to result in the amino acid substitution p.Leu184Pro. To our knowledge, this variant has not been reported in the literature or in a large population database (gnomAD), indicating this variant is rare. At this time, the clinical significance of this variant is uncertain due to the absence of conclusive functional and genetic evidence.

Labcorp Genetics (formerly Invitae), Labcorp
Classification: Uncertain significance for Bardet-Biedl syndrome. Last evaluated: 2022-08-23. Review status: criteria provided, single submitter. Criteria: Invitae Variant Classification Sherloc (09022015). Collection method: clinical testing. Allele origin: germline.
Comment: This sequence change replaces leucine, which is neutral and non-polar, with proline, which is neutral and non-polar, at codon 184 of the WDPCP protein (p.Leu184Pro). In summary, the available evidence is currently insufficient to determine the role of this variant in disease. Therefore, it has been classified as a Variant of Uncertain Significance. Algorithms developed to predict the effect of missense changes on protein structure and function (SIFT, PolyPhen-2, Align-GVGD) all suggest that this variant is likely to be disruptive. ClinVar contains an entry for this variant (Variation ID: 958634). This variant has not been reported in the literature in individuals affected with WDPCP-related conditions. This variant is not present in population databases (gnomAD no frequency).